The following is an entry in ClinVar:

NM_018026.4(PACS1):c.1999C>T (p.His667Tyr)

Gene: PACS1 (phosphofurin acidic cluster sorting protein 1; plus strand). Cytogenetic location: 11q13.2.
Variant type: single nucleotide variant.
Coding change: c.1999C>T on transcript NM_018026.4 (MANE Select); coding-DNA position 1999, C replaced by T.
Protein change: p.His667Tyr; replaces histidine 667 with tyrosine.
Molecular consequence: missense variant.
Genome position (GRCh38, 1-based): chr11:66,234,137, C>T. VCF-style: chr11-66234137-C-T. GRCh37 (hg19) VCF-style: chr11-66001608-C-T.
Other names: short protein forms H667Y.
Identifiers: ClinVar variation 4885635 (VCV004885635.2).

ClinVar aggregate classification (germline): Uncertain significance (1 of 4 stars; one submission).

Submission:

Dasa
Classification: Uncertain significance. Last evaluated: 2025-08-27. Review status: criteria provided, single submitter. Criteria: DASA Assertion Criteria. Collection method: clinical testing. Allele origin: germline.
Comment: NM_018026.4(PACS1):c.1999C>T (p.His667Tyr) is a missense variant that results in the substitution of histidine with tyrosine. This variant is absent from population databases. Computational prediction algorithms are consistent with a benign effect. The currently available literature and clinical evidence are not sufficient to establish a definitive association between this variant and the reported condition. Therefore, this variant is classified as a variant of uncertain significance.